The following is an entry in ClinVar:

ClinVar aggregate classification (germline): Likely benign. Review status: criteria provided, multiple submitters, no conflicts (2 of 4 stars). 2 submissions from 2 submitters: Likely benign (2). Last evaluated 2025-11-01.

Conditions:
Inborn genetic diseases. Identifiers: MedGen C0950123, MeSH D030342.

Submissions (2):

CeGaT Center for Human Genetics Tuebingen
Classification: Likely benign. Last evaluated: 2025-11-01. Review status: criteria provided, single submitter. Criteria: CeGaT Center For Human Genetics Tuebingen Variant Classification Criteria Version 2. Collection method: clinical testing. Allele origin: germline. Affected: yes. Observed: 1 variant allele.
Comment: RFX7: BS1

Ambry Genetics
Classification: Likely benign for Inborn genetic diseases. Last evaluated: 2024-05-28. Review status: criteria provided, single submitter. Criteria: Ambry Variant Classification Scheme 2023. Collection method: clinical testing. Allele origin: germline.

NM_022841.7(RFX7):c.3098T>C (p.Met1033Thr)

Gene: RFX7 (regulatory factor X7; minus strand). Cytogenetic location: 15q21.3.
Variant type: single nucleotide variant.
Coding change: c.3098T>C on transcript NM_022841.7 (MANE Select); coding-DNA position 3098, T replaced by C.
Protein change: p.Met1033Thr; replaces methionine 1033 with threonine.
Molecular consequence: missense variant.
Genome position (GRCh38, 1-based): chr15:56,094,630, A>G on the plus strand (T>C on the coding strand, the complement: RFX7 is on the minus strand). VCF-style: chr15-56094630-A-G. GRCh37 (hg19) VCF-style: chr15-56386828-A-G.
Other names: c.2807T>C, p.Met936Thr (NM_001368073.2, NM_001368074.1, NM_001370554.1); c.3098T>C, p.Met1033Thr (NM_001370561.1); short protein forms M1033T, M936T.
Identifiers: ClinVar variation 3313946 (VCV003313946.7).